The following is an entry in ClinVar:

NM_001042492.3(NF1):c.427T>C (p.Phe143Leu)

Gene: NF1 (neurofibromin 1; plus strand). Cytogenetic location: 17q11.2.
Variant type: single nucleotide variant.
Coding change: c.427T>C on transcript NM_001042492.3 (MANE Select); coding-DNA position 427, T replaced by C.
Protein change: p.Phe143Leu; replaces phenylalanine 143 with leucine.
Molecular consequence: missense variant.
Genome position (GRCh38, 1-based): chr17:31,163,324, T>C. VCF-style: chr17-31163324-T-C. GRCh37 (hg19) VCF-style: chr17-29490342-T-C.
Other names: c.427T>C, p.Phe143Leu (NM_000267.4, NM_001128147.3); short protein forms F143L.
Identifiers: ClinVar variation 1022911 (VCV001022911.5), dbSNP rs2065794956, ClinGen allele CA398981925.

ClinVar aggregate classification (germline): Uncertain significance (1 of 4 stars; one submission).

Conditions:
Neurofibromatosis, type 1 (NF1). Also called: Peripheral type neurofibromatosis; Neurofibromatosis, type I; VON RECKLINGHAUSEN DISEASE; NEUROFIBROMATOSIS, TYPE I, SOMATIC. Identifiers: Orphanet 636, MedGen C0027831, MONDO:0018975, OMIM 162200. Disease mechanism: loss of function.

Submission:

Labcorp Genetics (formerly Invitae), Labcorp
Classification: Uncertain significance for Neurofibromatosis, type 1. Last evaluated: 2020-07-12. Review status: criteria provided, single submitter. Criteria: Invitae Variant Classification Sherloc (09022015). Collection method: clinical testing. Allele origin: germline.
Comment: This variant has not been reported in the literature in individuals with NF1-related conditions. This variant is not present in population databases (ExAC no frequency). This sequence change replaces phenylalanine with leucine at codon 143 of the NF1 protein (p.Phe143Leu). The phenylalanine residue is moderately conserved and there is a small physicochemical difference between phenylalanine and leucine. In summary, the available evidence is currently insufficient to determine the role of this variant in disease. Therefore, it has been classified as a Variant of Uncertain Significance. Algorithms developed to predict the effect of missense changes on protein structure and function are either unavailable or do not agree on the potential impact of this missense change (SIFT: "Tolerated"; PolyPhen-2: "Probably Damaging"; Align-GVGD: "Class C0").